The following is an entry in ClinVar:

ClinVar aggregate classification (germline): Conflicting classifications of pathogenicity. Review status: criteria provided, conflicting classifications (1 of 4 stars). 5 submissions from 5 submitters: Uncertain significance (1); Benign (1); Likely benign (3). Last evaluated 2025-06-26.

Conditions:
Inborn genetic diseases. Identifiers: MedGen C0950123, MeSH D030342.
Knobloch syndrome (KNO). Also called: RETINAL DETACHMENT AND OCCIPITAL ENCEPHALOCELE; Myopia retinal detachment encephalocele. Identifiers: Orphanet 1571, MedGen C1849409, MONDO:0800166.
COL18A1-related disorder. Also called: COL18A1-related condition; COL18A1-related disorders.

Allele frequency attached by ClinVar (database versions not stated): gnomAD exomes 0.00010 and 0.00078; TOPMed 0.00010; gnomAD 0.00267 and 0.00301; ExAC 0.00342.
gnomAD v4.1: 152 of 1,388,924 alleles (0.011%); highest among the groups gnomAD compares: Admixed American, 0.067%; 1 homozygote.

Submissions (5):

Ambry Genetics
Classification: Likely benign for Inborn genetic diseases. Last evaluated: 2025-06-26. Review status: criteria provided, single submitter. Criteria: Ambry Variant Classification Scheme 2023. Collection method: clinical testing. Allele origin: germline.

PreventionGenetics, part of Exact Sciences
Classification: Likely benign for COL18A1-related condition. Last evaluated: 2025-05-24. Review status: criteria provided, single submitter. Criteria: ACMG Guidelines, 2015. Collection method: clinical testing. Allele origin: germline.
Comment: This variant is classified as likely benign based on ACMG/AMP sequence variant interpretation guidelines (Richards et al. 2015 PMID: 25741868, with internal and published modifications).

Blueprint Genetics
Classification: Likely benign. Last evaluated: 2024-03-18. Review status: criteria provided, single submitter. Criteria: ACMG Guidelines, 2015. Collection method: clinical testing. Allele origin: germline.

Labcorp Genetics (formerly Invitae), Labcorp
Classification: Uncertain significance. Last evaluated: 2022-10-24. Review status: criteria provided, single submitter. Criteria: Invitae Variant Classification Sherloc (09022015). Collection method: clinical testing. Allele origin: germline.
Comment: This sequence change replaces glycine, which is neutral and non-polar, with serine, which is neutral and polar, at codon 939 of the COL18A1 protein (p.Gly939Ser). The frequency data for this variant in the population databases is considered unreliable, as metrics indicate poor data quality at this position in the gnomAD database. This variant has not been reported in the literature in individuals affected with COL18A1-related conditions. ClinVar contains an entry for this variant (Variation ID: 340258). Experimental studies and prediction algorithms are not available or were not evaluated, and the functional significance of this variant is currently unknown. In summary, the available evidence is currently insufficient to determine the role of this variant in disease. Therefore, it has been classified as a Variant of Uncertain Significance.

Illumina Laboratory Services, Illumina
Classification: Benign for Knobloch syndrome 1. Last evaluated: 2018-01-12. Review status: criteria provided, single submitter. Criteria: ICSL Variant Classification Criteria 13 December 2019. Collection method: clinical testing. Allele origin: germline.
Comment: This variant was observed in the ICSL laboratory as part of a predisposition screen in an ostensibly healthy population. It had not been previously curated by ICSL or reported in the Human Gene Mutation Database (HGMD: prior to June 1st, 2018), and was therefore a candidate for classification through an automated scoring system. Utilizing variant allele frequency, disease prevalence and penetrance estimates, and inheritance mode, an automated score was calculated to assess if this variant is too frequent to cause the disease. Based on the score and internal cut-off values, a variant classified as benign is not then subjected to further curation. The score for this variant resulted in a classification of benign for this disease.

NM_001379500.1(COL18A1):c.2815G>A (p.Gly939Ser)

Genes: COL18A1 (collagen type XVIII alpha 1 chain; plus strand), SLC19A1 (solute carrier family 19 member 1; minus strand). Cytogenetic location: 21q22.3.
Variant type: single nucleotide variant.
Coding change: c.2815G>A on transcript NM_001379500.1 (MANE Select); coding-DNA position 2815, G replaced by A.
Protein change: p.Gly939Ser; replaces glycine 939 with serine.
Molecular consequence: missense variant.
Genome position (GRCh38, 1-based): chr21:45,504,503, G>A. VCF-style: chr21-45504503-G-A. GRCh37 (hg19) VCF-style: chr21-46924417-G-A.
Other names: NM_130445.2:c.2815G>A; c.3355G>A, p.Gly1119Ser (NM_030582.4); c.4060G>A, p.Gly1354Ser (NM_130444.3); c.3355G>A (NM_030582.3); short protein forms G1119S, G1354S.
Identifiers: ClinVar variation 340258 (VCV000340258.10), dbSNP rs753363173, ClinGen allele CA10067482.
Genomic context (GRCh38, chr21:45,504,503, plus strand): 5'-GGACAGAAAGGCGAAAGGGGGGAGCCCGGGGGCGGCGGTTTCTTCGGCTCCAGCCTGCCC[G>A]GCCCCCCCGGCCCCCCAGGCCCCCCAGGCCCACGTGGCTACCCTGGGATTCCAGTAAGTC-3'
Protein context (NP_001366429.1, residues 929-949): GGGFFGSSLP[Gly939Ser]PPGPPGPPGP